The following is an entry in ClinVar:

ClinVar aggregate classification (germline): Uncertain significance. Review status: criteria provided, multiple submitters, no conflicts (2 of 4 stars). 2 submissions from 2 submitters: Uncertain significance (2). Last evaluated 2025-01-22.

Conditions:
Inborn genetic diseases. Identifiers: MedGen C0950123, MeSH D030342.
Autosomal recessive nonsyndromic hearing loss 24. Identifiers: Orphanet 90636, MedGen C1970239, MONDO:0012602, OMIM 611022.

Allele frequency attached by ClinVar (database versions not stated): gnomAD exomes below 0.00001; gnomAD 0.00001; TOPMed 0.00002.
gnomAD v4.1: 3 of 1,613,992 alleles (0.00019%); highest among the groups gnomAD compares: Non-Finnish European, 0.00025%; no homozygotes.

Submissions (2):

Ambry Genetics
Classification: Uncertain significance for Inborn genetic diseases. Last evaluated: 2025-01-22. Review status: criteria provided, single submitter. Criteria: Ambry Variant Classification Scheme 2023. Collection method: clinical testing. Allele origin: germline.

ARUP Laboratories, Molecular Genetics and Genomics, ARUP Laboratories
Classification: Uncertain significance for Autosomal recessive nonsyndromic hearing loss 24. Last evaluated: 2022-07-15. Review status: criteria provided, single submitter. Criteria: ARUP Molecular Germline Variant Investigation Process 2021. Collection method: clinical testing. Allele origin: germline.
Comment: The RDX c.1501T>C; p.Ser501Pro variant (rs889509891), to our knowledge, is not reported in the medical literature or gene specific databases. This variant is also absent from the Genome Aggregation Database, indicating it is not a common polymorphism. The serine at codon 501 is highly conserved, but computational analyses are uncertain whether this variant is neutral or deleterious (REVEL: 0.175). However, given the lack of clinical and functional data, the significance of the p.Ser501Pro variant is uncertain at this time.

NM_002906.4(RDX):c.1501T>C (p.Ser501Pro)

Gene: RDX (radixin; minus strand). Cytogenetic location: 11q22.3.
Variant type: single nucleotide variant.
Coding change: c.1501T>C on transcript NM_002906.4 (MANE Select); coding-DNA position 1501, T replaced by C.
Protein change: p.Ser501Pro; replaces serine 501 with proline.
Molecular consequence: missense variant. On other transcripts: intron variant (1).
Genome position (GRCh38, 1-based): chr11:110,233,323, A>G on the plus strand (T>C on the coding strand, the complement: RDX is on the minus strand). VCF-style: chr11-110233323-A-G. GRCh37 (hg19) VCF-style: chr11-110104048-A-G.
Other names: c.1501T>C, p.Ser501Pro (NM_001260492.2, NM_001260493.2); c.1093T>C, p.Ser365Pro (NM_001260494.2); c.460T>C, p.Ser154Pro (NM_001260495.2); c.405-1319T>C (NM_001260496.2); c.1501T>C (NM_002906.3); short protein forms S154P, S365P, S501P.
Identifiers: ClinVar variation 2428636 (VCV002428636.4), dbSNP rs889509891, ClinGen allele CA228495648.